The following is an entry in ClinVar:

NM_203447.4(DOCK8):c.1134_1138del (p.Glu378fs)

Gene: DOCK8 (dedicator of cytokinesis 8; plus strand). Cytogenetic location: 9p24.3.
Variant type: Microsatellite.
Coding change: c.1134_1138del on transcript NM_203447.4 (MANE Select); coding-DNA positions 1134 to 1138, 5 bases deleted (AAAGA; older notation c.1134_1138delAAAGA).
Protein change: p.Glu378fs; shifts the reading frame from glutamic acid 378.
Molecular consequence: frameshift variant.
Genome position (GRCh38, 1-based): chr9:334,233-334,237, AAAGA deleted; deleting any 5 consecutive bases within chr9:334,228-334,237 gives the same sequence; the c. name uses the placement nearest the transcript's 3' end. VCF-style (leftmost placement, unchanged base first): chr9-334227-TAAAGA-T. GRCh37 (hg19) VCF-style: chr9-334227-TAAAGA-T.
Other names: c.930_934del, p.Glu310fs (NM_001190458.2, NM_001193536.2); short protein forms E310fs, E378fs.
Identifiers: ClinVar variation 2809344 (VCV002809344.3), dbSNP rs2537972709, ClinGen allele CA2739269094.
Genomic context (GRCh38, chr9:334,227, plus strand): 5'-AGGCAGTTGACTTGGTGCTGATGCTTGTTTCAGCTTGTTTCTTTCCATTTTCCTCCAGAG[TAAAGA>T]AAAGATTGAAAAACTAAAACTCCAAGCTGAATCCTTCTGCCAGCGTTTGGGGAAATACCG-3'

ClinVar aggregate classification (germline): Pathogenic (1 of 4 stars; one submission).

Conditions:
Combined immunodeficiency due to DOCK8 deficiency (HIES2). Also called: HIES autosomal recessive; Hyper-IgE recurrent infection syndrome, autosomal recessive; HYPER-IgE SYNDROME 2, AUTOSOMAL RECESSIVE, WITH RECURRENT INFECTIONS; HYPER-IgE RECURRENT INFECTION SYNDROME 2, AUTOSOMAL RECESSIVE; DOCK8 Deficiency. Identifiers: Orphanet 217390, MedGen C4722305, MONDO:0009478, OMIM 243700.

Submission:

Labcorp Genetics (formerly Invitae), Labcorp
Classification: Pathogenic for Combined immunodeficiency due to DOCK8 deficiency. Last evaluated: 2022-12-20. Review status: criteria provided, single submitter. Criteria: Invitae Variant Classification Sherloc (09022015). Collection method: clinical testing. Allele origin: germline.
Comment: This variant has not been reported in the literature in individuals affected with DOCK8-related conditions. For these reasons, this variant has been classified as Pathogenic. This variant is not present in population databases (gnomAD no frequency). This sequence change creates a premature translational stop signal (p.Glu378Aspfs*2) in the DOCK8 gene. It is expected to result in an absent or disrupted protein product. Loss-of-function variants in DOCK8 are known to be pathogenic (PMID: 14722525, 19776401).

Literature cited by the submitters: PubMed 14722525; PubMed 19776401.